The following is an entry in ClinVar:

ClinVar aggregate classification (germline): Uncertain significance (1 of 4 stars; one submission).

Submission:

Labcorp Genetics (formerly Invitae), Labcorp
Classification: Uncertain significance. Last evaluated: 2023-08-04. Review status: criteria provided, single submitter. Criteria: Invitae Variant Classification Sherloc (09022015). Collection method: clinical testing. Allele origin: germline.
Comment: This sequence change replaces threonine, which is neutral and polar, with serine, which is neutral and polar, at codon 87 of the RARS2 protein (p.Thr87Ser). This variant is not present in population databases (gnomAD no frequency). In summary, the available evidence is currently insufficient to determine the role of this variant in disease. Therefore, it has been classified as a Variant of Uncertain Significance. Advanced modeling of protein sequence and biophysical properties (such as structural, functional, and spatial information, amino acid conservation, physicochemical variation, residue mobility, and thermodynamic stability) performed at Invitae indicates that this missense variant is not expected to disrupt RARS2 protein function. ClinVar contains an entry for this variant (Variation ID: 2062526). This variant has not been reported in the literature in individuals affected with RARS2-related conditions.

NM_020320.5(RARS2):c.259A>T (p.Thr87Ser)

Gene: RARS2 (arginyl-tRNA synthetase 2, mitochondrial; minus strand). Cytogenetic location: 6q15.
Variant type: single nucleotide variant.
Coding change: c.259A>T on transcript NM_020320.5 (MANE Select); coding-DNA position 259, A replaced by T.
Protein change: p.Thr87Ser; replaces threonine 87 with serine.
Molecular consequence: missense variant. On other transcripts: 5 prime UTR variant (7), non-coding transcript variant (23).
Genome position (GRCh38, 1-based): chr6:87,562,740, T>A on the plus strand (A>T on the coding strand, the complement: RARS2 is on the minus strand). VCF-style: chr6-87562740-T-A. GRCh37 (hg19) VCF-style: chr6-88272458-T-A.
Other names: c.-211A>T (NM_001318785.2, NM_001350509.2); c.259A>T, p.Thr87Ser (NM_001350505.2); c.-267A>T (NM_001350506.2, NM_001350507.2, NM_001350510.2 and 1 more transcripts); c.-429A>T (NM_001350508.2); short protein forms T87S.
Identifiers: ClinVar variation 2062526 (VCV002062526.4), dbSNP rs2484833715, ClinGen allele CA364939179.